The following is an entry in ClinVar:

NM_002471.4(MYH6):c.2133C>A (p.Phe711Leu)

Gene: MYH6 (myosin heavy chain 6; minus strand). Cytogenetic location: 14q11.2.
Variant type: single nucleotide variant.
Coding change: c.2133C>A on transcript NM_002471.4 (MANE Select); coding-DNA position 2133, C replaced by A.
Protein change: p.Phe711Leu; replaces phenylalanine 711 with leucine.
Molecular consequence: missense variant.
Genome position (GRCh38, 1-based): chr14:23,396,998, G>T on the plus strand (C>A on the coding strand, the complement: MYH6 is on the minus strand). VCF-style: chr14-23396998-G-T. GRCh37 (hg19) VCF-style: chr14-23866207-G-T.
Other names: short protein forms F711L.
Identifiers: ClinVar variation 2157311 (VCV002157311.4), dbSNP rs1891416861, ClinGen allele CA389017679.

ClinVar aggregate classification (germline): Uncertain significance (1 of 4 stars; one submission).

Conditions:
Hypertrophic cardiomyopathy 14. Identifiers: MedGen C2750467, MONDO:0013197, OMIM 613251.

Allele frequency attached by ClinVar (database versions not stated): gnomAD exomes below 0.00001; TOPMed below 0.00001.
gnomAD v4.1: 3 of 1,613,604 alleles (0.00019%); highest among the groups gnomAD compares: African/African-American, 0.0027%; no homozygotes.

Submission:

Labcorp Genetics (formerly Invitae), Labcorp
Classification: Uncertain significance for Hypertrophic cardiomyopathy 14. Last evaluated: 2024-06-30. Review status: criteria provided, single submitter. Criteria: Invitae Variant Classification Sherloc (09022015). Collection method: clinical testing. Allele origin: germline.
Comment: This sequence change replaces phenylalanine, which is neutral and non-polar, with leucine, which is neutral and non-polar, at codon 711 of the MYH6 protein (p.Phe711Leu). This variant is not present in population databases (gnomAD no frequency). This variant has not been reported in the literature in individuals affected with MYH6-related conditions. ClinVar contains an entry for this variant (Variation ID: 2157311). Advanced modeling of protein sequence and biophysical properties (such as structural, functional, and spatial information, amino acid conservation, physicochemical variation, residue mobility, and thermodynamic stability) performed at Invitae indicates that this missense variant is expected to disrupt MYH6 protein function with a positive predictive value of 80%. In summary, the available evidence is currently insufficient to determine the role of this variant in disease. Therefore, it has been classified as a Variant of Uncertain Significance.